The following is an entry in ClinVar:

NM_017849.4(TMEM127):c.1A>T (p.Met1Leu)

Genes: TMEM127 (transmembrane protein 127; minus strand), LOC129934333 (ATAC-STARR-seq lymphoblastoid silent region 11759; plus strand). Cytogenetic location: 2q11.2.
Variant type: single nucleotide variant.
Coding change: c.1A>T on transcript NM_017849.4 (MANE Select); coding-DNA position 1, A replaced by T.
Protein change: p.Met1Leu; changes the start codon (methionine 1).
Molecular consequence: missense variant, initiator codon variant.
Genome position (GRCh38, 1-based): chr2:96,265,381, T>A on the plus strand (A>T on the coding strand, the complement: TMEM127 is on the minus strand). VCF-style: chr2-96265381-T-A. GRCh37 (hg19) VCF-style: chr2-96931119-T-A.
Other names: c.1A>T, p.Met1Leu (NM_001193304.3); short protein forms M1L.
Identifiers: ClinVar variation 949685 (VCV000949685.11), dbSNP rs1553437759, ClinGen allele CA347656381.
Genomic context (GRCh38, chr2:96,265,381, plus strand): 5'-TGCCTCCCGGGCTCCTCCGCCGGCGCCCGCCGGGCAGCCCTGCGCCTCCGGGGGCGTACA[T>A]GCCCGGGGCCGCCCGCCGTCGCTCCGCAGTCGCTGCTGGTCGCCGCCGACCTCCGCGGGG-3'
Protein context (NP_060319.1, residues 1-11): [Met1Leu]YAPGGAGLPG

ClinVar aggregate classification (germline): Pathogenic. Review status: criteria provided, multiple submitters, no conflicts (2 of 4 stars). 2 submissions from 2 submitters: Pathogenic (2). Last evaluated 2025-08-21.

Conditions:
Hereditary cancer-predisposing syndrome. Also called: Hereditary neoplastic syndrome; Hereditary Cancer Syndrome; Tumor predisposition; Neoplastic Syndromes, Hereditary. Identifiers: Orphanet 140162, MedGen C0027672, MeSH D009386, MONDO:0015356.
Hereditary pheochromocytoma and paraganglioma. Also called: Hereditary pheochromocytoma-paraganglioma; Hereditary Paraganglioma-Pheochromocytoma Syndromes; Hereditary paragangliomas and pheochromocytomas. Identifiers: Orphanet 29072, MedGen C4274332, MONDO:0017366.

Submissions (2):

Ambry Genetics
Classification: Pathogenic for Hereditary cancer-predisposing syndrome. Last evaluated: 2025-08-21. Review status: criteria provided, single submitter. Criteria: Ambry Variant Classification Scheme 2023. Collection method: clinical testing. Allele origin: germline.
Comment: The p.M1? pathogenic mutation (also known as c.1A>T) is located in coding exon 1 of the TMEM127 gene and results from an A to T substitution at nucleotide position 1. This alters the methionine residue at the initiation codon (ATG). This amino acid position is highly conserved in available vertebrate species. This variant is considered to be rare based on population cohorts in the Genome Aggregation Database (gnomAD). Other variants impacting the initiation codon have been reported in individuals with features of TMEM127-related hereditary pheochromocytoma-paraganglioma (Bausch B et al. JAMA Oncol. 2017 Sep;3(9):1204-1212; Eijkelenkamp K et al. Clin Genet. 2018 May;93(5):1049-1056; Ambry internal data). In addition to the clinical data presented in the literature, sequence variations that modify the initiation codon are expected to result in either loss of translation initiation, N-terminal truncation, or cause a shift in the mRNA reading frame. Based on the supporting evidence, this variant is interpreted as a disease-causing mutation.

Labcorp Genetics (formerly Invitae), Labcorp
Classification: Pathogenic for Hereditary pheochromocytoma and paraganglioma. Last evaluated: 2022-07-06. Review status: criteria provided, single submitter. Criteria: Invitae Variant Classification Sherloc (09022015). Collection method: clinical testing. Allele origin: germline.
Comment: This variant is not present in population databases (gnomAD no frequency). For these reasons, this variant has been classified as Pathogenic. Experimental studies have shown that disruption of the initiator codon affects TMEM127 function (PMID: 21156949). Algorithms developed to predict the effect of variants on protein structure and function are not available or were not evaluated for this variant. ClinVar contains an entry for this variant (Variation ID: 949685). Disruption of the initiator codon has been observed in individuals with paraganglioma-pheochromocytoma syndrome (PMID: 28384794, 29282712; Invitae). This sequence change affects the initiator methionine of the TMEM127 mRNA. The next in-frame methionine is located at codon 85.

Literature cited by the submitters: PubMed 21156949 (cited by Labcorp Genetics (formerly Invitae), Labcorp); PubMed 28384794 (cited by Labcorp Genetics (formerly Invitae), Labcorp); PubMed 29282712 (cited by Labcorp Genetics (formerly Invitae), Labcorp).